The following is an entry in ClinVar:

ClinVar aggregate classification (germline): Benign (1 of 4 stars; one submission).

Conditions:
Histiocytic medullary reticulosis. Also called: SEVERE COMBINED IMMUNODEFICIENCY WITH HYPEREOSINOPHILIA; Omenn syndrome. Identifiers: Orphanet 39041, MedGen C2700553, MONDO:0011338, OMIM 603554.

Allele frequency attached by ClinVar (database versions not stated): gnomAD 0.00950 and 0.01003; TOPMed 0.01070; 1000 Genomes Project 0.01378; 1000 Genomes Project 30x 0.01421.
gnomAD v4.1: 1,428 of 152,018 alleles (0.94%); highest among the groups gnomAD compares: African/African-American, 3.2%; 22 homozygotes.

Submission:

Illumina Laboratory Services, Illumina
Classification: Benign for Histiocytic medullary reticulosis. Last evaluated: 2018-01-13. Review status: criteria provided, single submitter. Criteria: ICSL Variant Classification Criteria 13 December 2019. Collection method: clinical testing. Allele origin: germline.
Comment: This variant was observed in the ICSL laboratory as part of a predisposition screen in an ostensibly healthy population. It had not been previously curated by ICSL or reported in the Human Gene Mutation Database (HGMD: prior to June 1st, 2018), and was therefore a candidate for classification through an automated scoring system. Utilizing variant allele frequency, disease prevalence and penetrance estimates, and inheritance mode, an automated score was calculated to assess if this variant is too frequent to cause the disease. Based on the score and internal cut-off values, a variant classified as benign is not then subjected to further curation. The score for this variant resulted in a classification of benign for this disease.

NM_001033855.3(DCLRE1C):c.*1339G>C

Gene: DCLRE1C (DNA cross-link repair 1C; minus strand). Cytogenetic location: 10p13.
Variant type: single nucleotide variant.
Coding change: c.*1339G>C on transcript NM_001033855.3 (MANE Select); 1339 bases downstream of the stop codon, G replaced by C.
Molecular consequence: 3 prime UTR variant. On other transcripts: non-coding transcript variant (3), intron variant (3).
Genome position (GRCh38, 1-based): chr10:14,907,069, C>G on the plus strand (G>C on the coding strand, the complement: DCLRE1C is on the minus strand). VCF-style: chr10-14907069-C-G. GRCh37 (hg19) VCF-style: chr10-14949068-C-G.
Other names: c.*1339G>C (NM_001033857.3, NM_001033858.3, NM_001289076.2 and 4 more transcripts); c.1437+1636G>C (NM_001350966.2); c.1782+1636G>C (NM_001350965.2); c.1422+1636G>C (NM_001350967.2).
Identifiers: ClinVar variation 299271 (VCV000299271.5), dbSNP rs41300700, ClinGen allele CA10635304.
Genomic context (GRCh38, chr10:14,907,069, plus strand): 5'-CAGGTGCACACCACCATGTCTGGCTAACATTTTGTGGAGACAGGGTCTCCCTGTGTGTTG[C>G]CCAGGCTGGACTCAAAACCCTGAGCTCAAGCGAGCCTCCCAAAGTACTGGGATTGCAGGC-3'